The following is an entry in ClinVar:

ClinVar aggregate classification (germline): Conflicting classifications of pathogenicity. Review status: criteria provided, conflicting classifications (1 of 4 stars). 12 submissions from 8 submitters: Uncertain significance (11); Likely benign (1). Last evaluated 2026-08-06.

Conditions:
Inborn genetic diseases. Identifiers: MedGen C0950123, MeSH D030342.
Hereditary cryohydrocytosis with reduced stomatin. Also called: Stomatin-deficient cryohydrocytosis with neurologic defects; GLUT1 DEFICIENCY SYNDROME WITH PSEUDOHYPERKALEMIA AND HEMOLYSIS. Identifiers: Orphanet 168577, MedGen C1837206, MONDO:0012143, OMIM 608885.
Dystonia 9 (DYT9). Also called: CHOREOATHETOSIS, KINESIGENIC, WITH EPISODIC ATAXIA AND SPASTICITY. Identifiers: Orphanet 53583, MedGen C1832855, MONDO:0010983, OMIM 601042.
Epilepsy, idiopathic generalized, susceptibility to, 12 (EIG12). Identifiers: MedGen C3553859, MONDO:0013919, OMIM 614847.
Encephalopathy due to GLUT1 deficiency. Also called: GLUCOSE TRANSPORT DEFECT, BLOOD-BRAIN BARRIER; Classic Glucose Transporter Type 1 Deficiency Syndrome; GLUT1 deficiency syndrome 1; Glucose transporter protein syndrome; GLUT1 deficiency syndrome 1, infantile onset, severe; De Vivo disease. Identifiers: Orphanet 71277, MedGen C4551966, MONDO:0011724, OMIM 606777.
GLUT1 deficiency syndrome 1, autosomal recessive. Identifiers: MedGen C3149117.
Childhood onset GLUT1 deficiency syndrome 2. Also called: PxMD-SLC2A1; Exertion-induced paroxysmal dyskinesia; Paroxysmal exercise-induced dystonia; GLUT1 deficiency syndrome 2; PAROXYSMAL EXERCISE-INDUCED DYSKINESIA WITH OR WITHOUT EPILEPSY AND/OR HEMOLYTIC ANEMIA; PAROXYSMAL EXERTION-INDUCED DYSTONIA WITH OR WITHOUT EPILEPSY AND/OR HEMOLYTIC ANEMIA. Identifiers: Orphanet 98811, MedGen C1842534, MONDO:0012805, OMIM 612126.
Parkinsonian disorder. Also called: Parkinsonism. Identifiers: MedGen C0242422, MONDO:0021095, HP:0001300.

Allele frequency attached by ClinVar (database versions not stated): gnomAD 0.00002 and 0.00003; gnomAD exomes 0.00003; ExAC 0.00004; TOPMed 0.00005.
gnomAD v4.1: 51 of 1,613,460 alleles (0.0032%); highest among the groups gnomAD compares: Admixed American, 0.012%; no homozygotes.

Submissions (12):

OLLIN Analises Genomicas, OLLIN
Classification: Uncertain significance for Epilepsy, idiopathic generalized, susceptibility to, 12. Last evaluated: 2026-08-06. Review status: criteria provided, single submitter. Criteria: ACMG Guidelines 2015 PMID 25741868. Collection method: clinical testing. Allele origin: germline.
Comment: This missense variant, located in exon 6 (of 10), has been reported in ClinVar (accession VCV000198195.49) and in gnomAD with an allele frequency of 0.0032%. However, to our knowledge, it has not been reported in the scientific literature. In silico analysis predicts that this variant has a deleterious effect. This gene is constrained for missense variation. According to the currently available evidence, this variant has been classified as uncertain significance (PP2, PP3).

CeGaT Center for Human Genetics Tuebingen
Classification: Uncertain significance. Last evaluated: 2026-08-01. Review status: criteria provided, single submitter. Criteria: CeGaT Center For Human Genetics Tuebingen Variant Classification Criteria Version 2. Collection method: clinical testing. Allele origin: germline. Affected: yes. Observed: 2 variant alleles.

Labcorp Genetics (formerly Invitae), Labcorp
Classification: Uncertain significance for GLUT1 deficiency syndrome 1, autosomal recessive. Last evaluated: 2025-08-09. Review status: criteria provided, single submitter. Criteria: Invitae Variant Classification Sherloc (09022015). Collection method: clinical testing. Allele origin: germline.
Comment: This sequence change replaces arginine, which is basic and polar, with cysteine, which is neutral and slightly polar, at codon 264 of the SLC2A1 protein (p.Arg264Cys). This variant is present in population databases (rs766376173, gnomAD 0.01%). This variant has not been reported in the literature in individuals affected with SLC2A1-related conditions. ClinVar contains an entry for this variant (Variation ID: 198195). Invitae Evidence Modeling of protein sequence and biophysical properties (such as structural, functional, and spatial information, amino acid conservation, physicochemical variation, residue mobility, and thermodynamic stability) indicates that this missense variant is expected to disrupt SLC2A1 protein function with a positive predictive value of 80%. In summary, the available evidence is currently insufficient to determine the role of this variant in disease. Therefore, it has been classified as a Variant of Uncertain Significance.

Genome-Nilou Lab
Classification: Uncertain significance for Epilepsy, idiopathic generalized, susceptibility to, 12. Last evaluated: 2023-04-11. Review status: criteria provided, single submitter. Criteria: ACMG Guidelines, 2015. Collection method: clinical testing. Allele origin: germline. Affected: no.

Genome-Nilou Lab
Classification: Uncertain significance for Dystonia 9. Last evaluated: 2023-04-11. Review status: criteria provided, single submitter. Criteria: ACMG Guidelines, 2015. Collection method: clinical testing. Allele origin: germline. Affected: no.

Genome-Nilou Lab
Classification: Uncertain significance for Encephalopathy due to GLUT1 deficiency. Last evaluated: 2023-04-11. Review status: criteria provided, single submitter. Criteria: ACMG Guidelines, 2015. Collection method: clinical testing. Allele origin: germline. Affected: no.

Genome-Nilou Lab
Classification: Uncertain significance for Childhood onset GLUT1 deficiency syndrome 2. Last evaluated: 2023-04-11. Review status: criteria provided, single submitter. Criteria: ACMG Guidelines, 2015. Collection method: clinical testing. Allele origin: germline. Affected: no.

Genome-Nilou Lab
Classification: Uncertain significance for Hereditary cryohydrocytosis with reduced stomatin. Last evaluated: 2023-04-11. Review status: criteria provided, single submitter. Criteria: ACMG Guidelines, 2015. Collection method: clinical testing. Allele origin: germline. Affected: no.

Revvity Omics, Revvity
Classification: Uncertain significance. Last evaluated: 2021-05-04. Review status: criteria provided, single submitter. Criteria: ACMG Guidelines, 2015. Collection method: clinical testing. Allele origin: germline.

Cambridge Genomics Laboratory, East Genomic Laboratory Hub, NHS Genomic Medicine Service
Classification: Likely benign for Parkinsonian disorder. Last evaluated: 2020-01-10. Review status: criteria provided, single submitter. Criteria: ACGS Best Practice Guidelines for Variant Classification in Rare Disease 2020. Collection method: clinical testing. Allele origin: germline. Affected: yes. Observed: 1 variant allele.

Ambry Genetics
Classification: Uncertain significance for Inborn genetic diseases. Last evaluated: 2016-07-06. Review status: criteria provided, single submitter. Criteria: Ambry Variant Classification Scheme 2023. Collection method: clinical testing. Allele origin: germline.
Comment: The p.R264C variant (also known as c.790C>T), located in coding exon 6 of the SLC2A1 gene, results from a C to T substitution at nucleotide position 790. The arginine at codon 264 is replaced by cysteine, an amino acid with highly dissimilar properties. This variant was not reported in population based cohorts in the following databases: Database of Single Nucleotide Polymorphisms (dbSNP), NHLBI Exome Sequencing Project (ESP), and 1000 Genomes Project. In the ESP, this variant was not observed in 6503 samples (13006 alleles) with coverage at this position. This amino acid position is highly conserved in available vertebrate species. In addition, this alteration is predicted to be deleterious by in silico analysis. Since supporting evidence is limited at this time, the clinical significance of this alteration remains unclear.

Eurofins Ntd Llc (ga)
Classification: Uncertain significance. Last evaluated: 2014-06-09. Review status: criteria provided, single submitter. Criteria: EGL Classification Definitions 2015. Collection method: clinical testing. Allele origin: germline. Observed: 2 variant alleles, 2 heterozygotes.

NM_006516.4(SLC2A1):c.790C>T (p.Arg264Cys)

Gene: SLC2A1 (solute carrier family 2 member 1; minus strand). Cytogenetic location: 1p34.2.
Variant type: single nucleotide variant.
Coding change: c.790C>T on transcript NM_006516.4 (MANE Select); coding-DNA position 790, C replaced by T.
Protein change: p.Arg264Cys; replaces arginine 264 with cysteine.
Molecular consequence: missense variant.
Genome position (GRCh38, 1-based): chr1:42,929,670, G>A on the plus strand (C>T on the coding strand, the complement: SLC2A1 is on the minus strand). VCF-style: chr1-42929670-G-A. GRCh37 (hg19) VCF-style: chr1-43395341-G-A.
Other names: c.790C>T (NM_006516.3); short protein forms R264C.
Identifiers: ClinVar variation 198195 (VCV000198195.51), dbSNP rs766376173, ClinGen allele CA019324.
Genomic context (GRCh38, chr1:42,929,670, plus strand): 5'-GCTGCTGGGACAGCTGCAGCACCACAGCGATGAGGATGGGCTGGCGGTAGGCGGGGGAGC[G>A]GAACAGCTCCAGGATGGTGACCTTCTTCTCCCGCATCATCTGCCGACTCTCTTCCTTCAT-3'
Protein context (NP_006507.2, residues 254-274): EKKVTILELF[Arg264Cys]SPAYRQPILI